The following is an entry in ClinVar:

ClinVar aggregate classification (germline): Uncertain significance (1 of 4 stars; one submission).

Conditions:
Autosomal recessive polycystic kidney disease (ARPKD). Also called: AR polycystic kidney disease. Identifiers: Orphanet 731, Orphanet 8378, MedGen C0085548, MeSH D017044, MONDO:0009889.

gnomAD v4.1: 1 of 1,613,974 alleles (0.000062%); highest among the groups gnomAD compares: East Asian, 0.0022%; no homozygotes.

Submission:

Labcorp Genetics (formerly Invitae), Labcorp
Classification: Uncertain significance for Autosomal recessive polycystic kidney disease. Last evaluated: 2024-04-22. Review status: criteria provided, single submitter. Criteria: Invitae Variant Classification Sherloc (09022015). Collection method: clinical testing. Allele origin: germline.
Comment: This sequence change replaces arginine, which is basic and polar, with glycine, which is neutral and non-polar, at codon 781 of the PKHD1 protein (p.Arg781Gly). This variant is not present in population databases (gnomAD no frequency). This missense change has been observed in individual(s) with polycystic kidney disease (PMID: 35778421). ClinVar contains an entry for this variant (Variation ID: 1962639). Advanced modeling of protein sequence and biophysical properties (such as structural, functional, and spatial information, amino acid conservation, physicochemical variation, residue mobility, and thermodynamic stability) performed at Invitae indicates that this missense variant is not expected to disrupt PKHD1 protein function with a negative predictive value of 95%. In summary, the available evidence is currently insufficient to determine the role of this variant in disease. Therefore, it has been classified as a Variant of Uncertain Significance.

Literature cited by the submitters: PubMed 35778421.

NM_138694.4(PKHD1):c.2341C>G (p.Arg781Gly)

Gene: PKHD1 (PKHD1 ciliary IPT domain containing fibrocystin/polyductin; minus strand). Cytogenetic location: 6p12.2.
Variant type: single nucleotide variant.
Coding change: c.2341C>G on transcript NM_138694.4 (MANE Select); coding-DNA position 2341, C replaced by G.
Protein change: p.Arg781Gly; replaces arginine 781 with glycine.
Molecular consequence: missense variant.
Genome position (GRCh38, 1-based): chr6:52,048,558, G>C on the plus strand (C>G on the coding strand, the complement: PKHD1 is on the minus strand). VCF-style: chr6-52048558-G-C. GRCh37 (hg19) VCF-style: chr6-51913356-G-C.
Other names: c.2341C>G, p.Arg781Gly (NM_170724.3); short protein forms R781G.
Identifiers: ClinVar variation 1962639 (VCV001962639.4), dbSNP rs398124478, ClinGen allele CA364443561.